The following is an entry in ClinVar:

ClinVar aggregate classification (germline): Uncertain significance. Review status: criteria provided, multiple submitters, no conflicts (2 of 4 stars). 2 submissions from 2 submitters: Uncertain significance (2). Last evaluated 2026-01-14.

Conditions:
Inborn genetic diseases. Identifiers: MedGen C0950123, MeSH D030342.

Submissions (2):

Ambry Genetics
Classification: Uncertain significance for Inborn genetic diseases. Last evaluated: 2026-01-14. Review status: criteria provided, single submitter. Criteria: Ambry Variant Classification Scheme 2023. Collection method: clinical testing. Allele origin: germline.

Labcorp Genetics (formerly Invitae), Labcorp
Classification: Uncertain significance. Last evaluated: 2023-04-25. Review status: criteria provided, single submitter. Criteria: Invitae Variant Classification Sherloc (09022015). Collection method: clinical testing. Allele origin: germline.
Comment: ClinVar contains an entry for this variant (Variation ID: 1411493). In summary, the available evidence is currently insufficient to determine the role of this variant in disease. Therefore, it has been classified as a Variant of Uncertain Significance. Experimental studies and prediction algorithms are not available or were not evaluated, and the functional significance of this variant is currently unknown. This variant has not been reported in the literature in individuals affected with MNX1-related conditions. The frequency data for this variant in the population databases is considered unreliable, as metrics indicate insufficient coverage at this position in the gnomAD database. This sequence change replaces glycine, which is neutral and non-polar, with aspartic acid, which is acidic and polar, at codon 145 of the MNX1 protein (p.Gly145Asp).

NM_005515.4(MNX1):c.434G>A (p.Gly145Asp)

Genes: MNX1 (motor neuron and pancreas homeobox 1; minus strand), LOC129999736 (ATAC-STARR-seq lymphoblastoid silent region 18858; plus strand). Cytogenetic location: 7q36.3.
Variant type: single nucleotide variant.
Coding change: c.434G>A on transcript NM_005515.4 (MANE Select); coding-DNA position 434, G replaced by A.
Protein change: p.Gly145Asp; replaces glycine 145 with aspartic acid.
Molecular consequence: missense variant.
Genome position (GRCh38, 1-based): chr7:157,009,917, C>T on the plus strand (G>A on the coding strand, the complement: MNX1 is on the minus strand). VCF-style: chr7-157009917-C-T. GRCh37 (hg19) VCF-style: chr7-156802611-C-T.
Other names: c.434G>A (NM_005515.3); short protein forms G145D.
Identifiers: ClinVar variation 1411493 (VCV001411493.9), dbSNP rs1351987257, ClinGen allele CA370164565.